The following is an entry in ClinVar:

NM_031443.4(CCM2):c.427T>C (p.Ser143Pro)

Gene: CCM2 (CCM2 scaffold protein; plus strand). Cytogenetic location: 7p13.
Variant type: single nucleotide variant.
Coding change: c.427T>C on transcript NM_031443.4 (MANE Select); coding-DNA position 427, T replaced by C.
Protein change: p.Ser143Pro; replaces serine 143 with proline.
Molecular consequence: missense variant. On other transcripts: non-coding transcript variant (1).
Genome position (GRCh38, 1-based): chr7:45,064,601, T>C. VCF-style: chr7-45064601-T-C. GRCh37 (hg19) VCF-style: chr7-45104200-T-C.
Other names: c.490T>C, p.Ser164Pro (NM_001029835.2); c.253T>C, p.Ser85Pro (NM_001167934.2, NM_001363459.2); c.427T>C, p.Ser143Pro (NM_001167935.2, NM_001363458.2); short protein forms S164P, S85P, S143P.
Identifiers: ClinVar variation 3666124 (VCV003666124.2).

ClinVar aggregate classification (germline): Uncertain significance (1 of 4 stars; one submission).

Conditions:
Cerebral cavernous malformation 2. Also called: Familial Cerebral Cavernous Malformation 2. Identifiers: Orphanet 221061, MedGen C1864041, MONDO:0011304, OMIM 603284.

Submission:

Labcorp Genetics (formerly Invitae), Labcorp
Classification: Uncertain significance for Cerebral cavernous malformation 2. Last evaluated: 2025-01-29. Review status: criteria provided, single submitter. Criteria: Invitae Variant Classification Sherloc (09022015). Collection method: clinical testing. Allele origin: germline.
Comment: This sequence change replaces serine, which is neutral and polar, with proline, which is neutral and non-polar, at codon 143 of the CCM2 protein (p.Ser143Pro). This variant is not present in population databases (gnomAD no frequency). This variant has not been reported in the literature in individuals affected with CCM2-related conditions. Invitae Evidence Modeling of protein sequence and biophysical properties (such as structural, functional, and spatial information, amino acid conservation, physicochemical variation, residue mobility, and thermodynamic stability) indicates that this missense variant is not expected to disrupt CCM2 protein function with a negative predictive value of 80%. In summary, the available evidence is currently insufficient to determine the role of this variant in disease. Therefore, it has been classified as a Variant of Uncertain Significance.